The following is an entry in ClinVar:

NM_020717.5(SHROOM4):c.1946C>T (p.Pro649Leu)

Gene: SHROOM4 (shroom family member 4; minus strand). Cytogenetic location: Xp11.22.
Variant type: single nucleotide variant.
Coding change: c.1946C>T on transcript NM_020717.5 (MANE Select); coding-DNA position 1946, C replaced by T.
Protein change: p.Pro649Leu; replaces proline 649 with leucine.
Molecular consequence: missense variant. On other transcripts: non-coding transcript variant (4).
Genome position (GRCh38, 1-based): chrX:50,634,127, G>A on the plus strand (C>T on the coding strand, the complement: SHROOM4 is on the minus strand). VCF-style: chrX-50634127-G-A. GRCh37 (hg19) VCF-style: chrX-50377127-G-A.
Other names: short protein forms P649L.
Identifiers: ClinVar variation 1676162 (VCV001676162.33), dbSNP rs2147293707, ClinGen allele CA413118279.

ClinVar aggregate classification (germline): Uncertain significance (1 of 4 stars; one submission).

Submission:

CeGaT Center for Human Genetics Tuebingen
Classification: Uncertain significance. Last evaluated: 2022-03-01. Review status: criteria provided, single submitter. Criteria: CeGaT Center For Human Genetics Tuebingen Variant Classification Criteria Version 2. Collection method: clinical testing. Allele origin: germline. Affected: yes. Observed: 1 variant allele.
Comment: SHROOM4: PM2